The following is an entry in ClinVar:

NM_001267550.2(TTN):c.14861A>G (p.Asp4954Gly)

Gene: TTN (titin; minus strand). Cytogenetic location: 2q31.2.
Variant type: single nucleotide variant.
Coding change: c.14861A>G on transcript NM_001267550.2 (MANE Select); coding-DNA position 14861, A replaced by G.
Protein change: p.Asp4954Gly; replaces aspartic acid 4954 with glycine.
Molecular consequence: missense variant. On other transcripts: intron variant (3).
Genome position (GRCh38, 1-based): chr2:178,735,585, T>C on the plus strand (A>G on the coding strand, the complement: TTN is on the minus strand). VCF-style: chr2-178735585-T-C. GRCh37 (hg19) VCF-style: chr2-179600312-T-C.
Other names: c.13910A>G, p.Asp4637Gly (NM_001256850.1); c.11129A>G, p.Asp3710Gly (NM_133378.4); c.13282+2497A>G (NM_003319.4); c.13858+2497A>G (NM_133437.4); c.13657+2497A>G (NM_133432.3); short protein forms D4954G, D3710G, D4637G.
Identifiers: ClinVar variation 4994425 (VCV004994425.1).

ClinVar aggregate classification (germline): Uncertain significance (1 of 4 stars; one submission).

Conditions:
TTN-related disorder. Also called: TTN-related condition; TTN-related disease; TTN-related disorders.

Submission:

PreventionGenetics, part of Exact Sciences
Classification: Uncertain significance for TTN-related condition. Last evaluated: 2026-01-22. Review status: criteria provided, single submitter. Criteria: ACMG Guidelines, 2015. Collection method: clinical testing. Allele origin: germline.
Comment: The TTN c.14861A>G variant is predicted to result in the amino acid substitution p.Asp4954Gly. To our knowledge, this variant has not been reported in the literature or in a large population database (gnomAD), indicating this variant is rare. At this time, the clinical significance of this variant is uncertain due to the absence of conclusive functional and genetic evidence.